The following is an entry in ClinVar:

NM_001256545.2(MEGF10):c.3191T>A (p.Ile1064Asn)

Gene: MEGF10 (multiple EGF like domains 10; plus strand). Cytogenetic location: 5q23.2.
Variant type: single nucleotide variant.
Coding change: c.3191T>A on transcript NM_001256545.2 (MANE Select); coding-DNA position 3191, T replaced by A.
Protein change: p.Ile1064Asn; replaces isoleucine 1064 with asparagine.
Molecular consequence: missense variant.
Genome position (GRCh38, 1-based): chr5:127,455,566, T>A. VCF-style: chr5-127455566-T-A. GRCh37 (hg19) VCF-style: chr5-126791258-T-A.
Other names: c.3191T>A, p.Ile1064Asn (NM_032446.3); short protein forms I1064N.
Identifiers: ClinVar variation 573721 (VCV000573721.7), dbSNP rs746195971, ClinGen allele CA3392155.

ClinVar aggregate classification (germline): Uncertain significance. Review status: criteria provided, multiple submitters, no conflicts (2 of 4 stars). 2 submissions from 2 submitters: Uncertain significance (2). Last evaluated 2025-12-24.

Conditions:
Inborn genetic diseases. Identifiers: MedGen C0950123, MeSH D030342.
MEGF10-related myopathy (CMYO10A). Also called: Congenital myopathy 10A, severe variant. Identifiers: Orphanet 439212, MedGen C3280679, MONDO:0013731, OMIM 614399.

Allele frequency attached by ClinVar (database versions not stated): ExAC 0.00001; gnomAD exomes 0.00001; TOPMed 0.00001; gnomAD 0.00003.
gnomAD v4.1: 15 of 1,614,086 alleles (0.00093%); highest among the groups gnomAD compares: Non-Finnish European, 0.00093%; no homozygotes.

Submissions (2):

Ambry Genetics
Classification: Uncertain significance for Inborn genetic diseases. Last evaluated: 2025-12-24. Review status: criteria provided, single submitter. Criteria: Ambry Variant Classification Scheme 2023. Collection method: clinical testing. Allele origin: germline.

Labcorp Genetics (formerly Invitae), Labcorp
Classification: Uncertain significance for MEGF10-related myopathy. Last evaluated: 2022-09-01. Review status: criteria provided, single submitter. Criteria: Invitae Variant Classification Sherloc (09022015). Collection method: clinical testing. Allele origin: germline.
Comment: This sequence change replaces isoleucine, which is neutral and non-polar, with asparagine, which is neutral and polar, at codon 1064 of the MEGF10 protein (p.Ile1064Asn). This variant is present in population databases (rs746195971, gnomAD 0.002%). This variant has not been reported in the literature in individuals affected with MEGF10-related conditions. ClinVar contains an entry for this variant (Variation ID: 573721). Algorithms developed to predict the effect of missense changes on protein structure and function are either unavailable or do not agree on the potential impact of this missense change (SIFT: "Deleterious"; PolyPhen-2: "Probably Damaging"; Align-GVGD: "Class C0"). In summary, the available evidence is currently insufficient to determine the role of this variant in disease. Therefore, it has been classified as a Variant of Uncertain Significance.